The following is an entry in ClinVar:

ClinVar aggregate classification (germline): Likely benign. Review status: criteria provided, multiple submitters, no conflicts (2 of 4 stars). 2 submissions from 2 submitters: Likely benign (2). Last evaluated 2024-02-24.

Allele frequency attached by ClinVar (database versions not stated): gnomAD 0.00001; gnomAD exomes 0.00001; TOPMed 0.00001; ExAC 0.00002.
gnomAD v4.1: 8 of 1,614,062 alleles (0.0005%); highest among the groups gnomAD compares: Non-Finnish European, 0.00025%; no homozygotes.

Submissions (2):

Labcorp Genetics (formerly Invitae), Labcorp
Classification: Likely benign. Last evaluated: 2024-02-24. Review status: criteria provided, single submitter. Criteria: Invitae Variant Classification Sherloc (09022015). Collection method: clinical testing. Allele origin: germline.

CeGaT Center for Human Genetics Tuebingen
Classification: Likely benign. Last evaluated: 2022-07-01. Review status: criteria provided, single submitter. Criteria: CeGaT Center For Human Genetics Tuebingen Variant Classification Criteria Version 2. Collection method: clinical testing. Allele origin: germline. Affected: yes. Observed: 1 variant allele.
Comment: KMT2C: BP4

NM_170606.3(KMT2C):c.12566A>G (p.Glu4189Gly)

Gene: KMT2C (lysine methyltransferase 2C; minus strand). Cytogenetic location: 7q36.1.
Variant type: single nucleotide variant.
Coding change: c.12566A>G on transcript NM_170606.3 (MANE Select); coding-DNA position 12566, A replaced by G.
Protein change: p.Glu4189Gly; replaces glutamic acid 4189 with glycine.
Molecular consequence: missense variant.
Genome position (GRCh38, 1-based): chr7:152,151,542, T>C on the plus strand (A>G on the coding strand, the complement: KMT2C is on the minus strand). VCF-style: chr7-152151542-T-C. GRCh37 (hg19) VCF-style: chr7-151848627-T-C.
Other names: short protein forms E4189G.
Identifiers: ClinVar variation 1951866 (VCV001951866.29), dbSNP rs776221339, ClinGen allele CA4578766.